The following is an entry in ClinVar:

ClinVar aggregate classification (germline): Uncertain significance (1 of 4 stars; one submission).

Conditions:
Aortic aneurysm, familial thoracic 7 (AAT7). Also called: AORTIC DISSECTION, FAMILIAL, WITH OR WITHOUT AORTIC ANEURYSM. Identifiers: MedGen C3151077, MONDO:0013418, OMIM 613780.

Submission:

Labcorp Genetics (formerly Invitae), Labcorp
Classification: Uncertain significance for Aortic aneurysm, familial thoracic 7. Last evaluated: 2025-07-14. Review status: criteria provided, single submitter. Criteria: Invitae Variant Classification Sherloc (09022015). Collection method: clinical testing. Allele origin: germline.
Comment: This sequence change replaces glycine, which is neutral and non-polar, with valine, which is neutral and non-polar, at codon 76 of the MYLK protein (p.Gly76Val). This variant is not present in population databases (gnomAD no frequency). This variant has not been reported in the literature in individuals affected with MYLK-related conditions. ClinVar contains an entry for this variant (Variation ID: 3635791). Invitae Evidence Modeling of protein sequence and biophysical properties (such as structural, functional, and spatial information, amino acid conservation, physicochemical variation, residue mobility, and thermodynamic stability) indicates that this missense variant is not expected to disrupt MYLK protein function with a negative predictive value of 95%. In summary, the available evidence is currently insufficient to determine the role of this variant in disease. Therefore, it has been classified as a Variant of Uncertain Significance.

NM_053025.4(MYLK):c.227G>T (p.Gly76Val)

Gene: MYLK (myosin light chain kinase; minus strand). Cytogenetic location: 3q21.1.
Variant type: single nucleotide variant.
Coding change: c.227G>T on transcript NM_053025.4 (MANE Select); coding-DNA position 227, G replaced by T.
Protein change: p.Gly76Val; replaces glycine 76 with valine.
Molecular consequence: missense variant. On other transcripts: intron variant (1).
Genome position (GRCh38, 1-based): chr3:123,752,477, C>A on the plus strand (G>T on the coding strand, the complement: MYLK is on the minus strand). VCF-style: chr3-123752477-C-A. GRCh37 (hg19) VCF-style: chr3-123471324-C-A.
Other names: c.227G>T, p.Gly76Val (NM_053026.4, NM_053027.4, NM_053028.4); c.-155-12476G>T (NM_001321309.2); short protein forms G76V.
Identifiers: ClinVar variation 3635791 (VCV003635791.2).